The following is an entry in ClinVar:

ClinVar aggregate classification (germline): Uncertain significance. Review status: criteria provided, multiple submitters, no conflicts (2 of 4 stars). 4 submissions from 4 submitters: Uncertain significance (4). Last evaluated 2025-03-24.

Conditions:
SPTLC2-related disorder. Also called: SPTLC2-related condition.
Neuropathy, hereditary sensory and autonomic, type 1C. Also called: HSAN IC; HSN IC. Identifiers: Orphanet 36386, MedGen C3150896, MONDO:0013337, OMIM 613640.

Allele frequency attached by ClinVar (database versions not stated): gnomAD 0.00001; TOPMed 0.00001; gnomAD exomes 0.00002; 1000 Genomes Project 30x 0.00016; 1000 Genomes Project 0.00020.

Submissions (4):

PreventionGenetics, part of Exact Sciences
Classification: Uncertain significance for SPTLC2-related condition. Last evaluated: 2025-03-24. Review status: criteria provided, single submitter. Criteria: ACMG Guidelines, 2015. Collection method: clinical testing. Allele origin: germline.
Comment: The SPTLC2 c.406C>T variant is predicted to result in the amino acid substitution p.Arg136Trp. To our knowledge, this variant has not been reported in the literature. This variant is reported in 0.014% of alleles in individuals of European (Finnish) descent in gnomAD. Although we suspect that this variant may be benign, at this time, the clinical significance of this variant is uncertain due to the absence of conclusive functional and genetic evidence.

Labcorp Genetics (formerly Invitae), Labcorp
Classification: Uncertain significance for Neuropathy, hereditary sensory and autonomic, type 1C. Last evaluated: 2024-08-21. Review status: criteria provided, single submitter. Criteria: Invitae Variant Classification Sherloc (09022015). Collection method: clinical testing. Allele origin: germline.
Comment: This sequence change replaces arginine, which is basic and polar, with tryptophan, which is neutral and slightly polar, at codon 136 of the SPTLC2 protein (p.Arg136Trp). This variant is present in population databases (rs116730455, gnomAD 0.01%). This variant has not been reported in the literature in individuals affected with SPTLC2-related conditions. ClinVar contains an entry for this variant (Variation ID: 538845). Invitae Evidence Modeling of protein sequence and biophysical properties (such as structural, functional, and spatial information, amino acid conservation, physicochemical variation, residue mobility, and thermodynamic stability) indicates that this missense variant is expected to disrupt SPTLC2 protein function with a positive predictive value of 80%. In summary, the available evidence is currently insufficient to determine the role of this variant in disease. Therefore, it has been classified as a Variant of Uncertain Significance.

CeGaT Center for Human Genetics Tuebingen
Classification: Uncertain significance. Last evaluated: 2023-05-01. Review status: criteria provided, single submitter. Criteria: CeGaT Center For Human Genetics Tuebingen Variant Classification Criteria Version 2. Collection method: clinical testing. Allele origin: germline. Affected: yes. Observed: 1 variant allele.

Blueprint Genetics
Classification: Uncertain significance. Last evaluated: 2020-11-05. Review status: criteria provided, single submitter. Criteria: ACMG Guidelines, 2015. Collection method: clinical testing. Allele origin: germline.

NM_004863.4(SPTLC2):c.406C>T (p.Arg136Trp)

Gene: SPTLC2 (serine palmitoyltransferase long chain base subunit 2; minus strand). Cytogenetic location: 14q24.3.
Variant type: single nucleotide variant.
Coding change: c.406C>T on transcript NM_004863.4 (MANE Select); coding-DNA position 406, C replaced by T.
Protein change: p.Arg136Trp; replaces arginine 136 with tryptophan.
Molecular consequence: missense variant.
Genome position (GRCh38, 1-based): chr14:77,579,031, G>A on the plus strand (C>T on the coding strand, the complement: SPTLC2 is on the minus strand). VCF-style: chr14-77579031-G-A. GRCh37 (hg19) VCF-style: chr14-78045374-G-A.
Other names: short protein forms R136W.
Identifiers: ClinVar variation 538845 (VCV000538845.36), dbSNP rs116730455, ClinGen allele CA263842162.